The following is an entry in ClinVar:

NM_004958.4(MTOR):c.4376C>T (p.Ala1459Val)

Gene: MTOR (mechanistic target of rapamycin kinase; minus strand). Cytogenetic location: 1p36.22.
Variant type: single nucleotide variant.
Coding change: c.4376C>T on transcript NM_004958.4 (MANE Select); coding-DNA position 4376, C replaced by T.
Protein change: p.Ala1459Val; replaces alanine 1459 with valine.
Molecular consequence: missense variant.
Genome position (GRCh38, 1-based): chr1:11,157,245, G>A on the plus strand (C>T on the coding strand, the complement: MTOR is on the minus strand). VCF-style: chr1-11157245-G-A. GRCh37 (hg19) VCF-style: chr1-11217302-G-A.
Other names: short protein forms A1459V.
Identifiers: ClinVar variation 1019891 (VCV001019891.10), dbSNP rs1644347782, ClinGen allele CA338371970.
Genomic context (GRCh38, chr1:11,157,245, plus strand): 5'-CCCAGCATCAGCTCTGGGTCGTCCTTGTTGGTGTCCATTTTCTTGTCATAGGCCACAAGG[G>A]CATCCTCCCACTCGTGCAGTTTCTCATACCAGGTAGCCTGGATCTCCTGTTACATGGGAA-3'
Protein context (NP_004949.1, residues 1449-1469): WYEKLHEWED[Ala1459Val]LVAYDKKMDT

ClinVar aggregate classification (germline): Uncertain significance (1 of 4 stars; one submission).
ClinVar aggregate classification (oncogenicity): Uncertain significance (1 of 4 stars; one submission).

Conditions:
Neoplasm. Also called: tumor; Neoplasms; Neoplasm (disease). Identifiers: MedGen C0027651, MeSH D009369, MONDO:0005070, HP:0002664.

Submissions (2):

Center for Genomic Medicine, Rigshospitalet, Copenhagen University Hospital
Classification: Uncertain significance for Neoplasm. Last evaluated: 2025-12-29. Review status: criteria provided, single submitter. Criteria: ClinGen/CGC/VICC Guidelines for Oncogenicity, 2022. Collection method: clinical testing. Allele origin: somatic. Affected: yes.

Labcorp Genetics (formerly Invitae), Labcorp
Classification: Uncertain significance. Last evaluated: 2020-01-20. Review status: criteria provided, single submitter. Criteria: Invitae Variant Classification Sherloc (09022015). Collection method: clinical testing. Allele origin: germline.
Comment: In summary, the available evidence is currently insufficient to determine the role of this variant in disease. Therefore, it has been classified as a Variant of Uncertain Significance. Algorithms developed to predict the effect of missense changes on protein structure and function are either unavailable or do not agree on the potential impact of this missense change (SIFT: "Deleterious"; PolyPhen-2: "Probably Damaging"; Align-GVGD: "Class C0"). This sequence change replaces alanine with valine at codon 1459 of the MTOR protein (p.Ala1459Val). The alanine residue is highly conserved and there is a small physicochemical difference between alanine and valine. This variant is not present in population databases (ExAC no frequency). This variant has not been reported in the literature in individuals with MTOR-related conditions.

Literature cited by the submitters: PubMed 28427592 (cited by Center for Genomic Medicine, Rigshospitalet, Copenhagen University Hospital).